The following is an entry in ClinVar:

ClinVar aggregate classification (germline): Pathogenic (1 of 4 stars; one submission).

Conditions:
Polycystic kidney disease 4 (PKD4). Also called: POLYCYSTIC KIDNEY AND HEPATIC DISEASE 1; POLYCYSTIC KIDNEY DISEASE, INFANTILE, TYPE I; PKD3; Autosomal Recessive Polycystic Kidney Disease – PKHD1; POLYCYSTIC KIDNEY DISEASE 4 WITH OR WITHOUT POLYCYSTIC LIVER DISEASE. Identifiers: MedGen C4540575, MONDO:0033004, OMIM 263200.

gnomAD v4.1: 1 of 1,613,790 alleles (0.000062%); highest among the groups gnomAD compares: East Asian, 0.0022%; no homozygotes.

Submission:

Juno Genomics, Hangzhou Juno Genomics, Inc
Classification: Pathogenic for Polycystic kidney disease 4. Review status: criteria provided, single submitter. Criteria: ACMG Guidelines, 2015. Collection method: clinical testing. Allele origin: germline. Affected: yes.
Comment: Absent from controls (or at extremely low frequency if recessive) in Genome Aggregation Database, Exome Sequencing Project, 1000 Genomes Project, or Exome Aggregation Consortium.;Null variant in a gene where loss of function (LOF) is a known mechanism of disease.;For recessive disorders, detected in trans with a pathogenic variant.;Patient's phenotype or family history is highly specific for a disease with a single genetic etiology.

NM_138694.4(PKHD1):c.10745A>C (p.Glu3582Ala)

Gene: PKHD1 (PKHD1 ciliary IPT domain containing fibrocystin/polyductin; minus strand). Cytogenetic location: 6p12.3.
Variant type: single nucleotide variant.
Coding change: c.10745A>C on transcript NM_138694.4 (MANE Select); coding-DNA position 10745, A replaced by C.
Protein change: p.Glu3582Ala; replaces glutamic acid 3582 with alanine.
Molecular consequence: missense variant.
Genome position (GRCh38, 1-based): chr6:51,659,381, T>G on the plus strand (A>C on the coding strand, the complement: PKHD1 is on the minus strand). VCF-style: chr6-51659381-T-G. GRCh37 (hg19) VCF-style: chr6-51524179-T-G.
Other names: short protein forms E3582A.
Identifiers: ClinVar variation 3382668 (VCV003382668.2).
Genomic context (GRCh38, chr6:51,659,381, plus strand): 5'-GGCATCTCGTGAATAAACCTGATTTGGTTTTGGCCAATCTGTAAGAAGTTAGTTAGTCTT[T>G]CGAGTATTACTATTTCCCAGCCTTTTTCTAAGACTGAAACCATCACAGTGAGGGCCAAGT-3'
Protein context (NP_619639.3, residues 3572-3592): LEKGWEIVIL[Glu3582Ala]RLTNFLQIGQ